The following is an entry in ClinVar:

ClinVar aggregate classification (germline): Uncertain significance (1 of 4 stars; one submission).

Conditions:
Familial adenomatous polyposis 1 (FAP1). Also called: POLYPOSIS, ADENOMATOUS INTESTINAL; FAMILIAL ADENOMATOUS POLYPOSIS 1, ATTENUATED. Identifiers: MedGen C2713442, MONDO:0021056, OMIM 175100. Disease mechanism: loss of function.

Submission:

Labcorp Genetics (formerly Invitae), Labcorp
Classification: Uncertain significance for Familial adenomatous polyposis 1. Last evaluated: 2023-10-06. Review status: criteria provided, single submitter. Criteria: Invitae Variant Classification Sherloc (09022015). Collection method: clinical testing. Allele origin: germline.
Comment: This sequence change replaces asparagine, which is neutral and polar, with lysine, which is basic and polar, at codon 933 of the APC protein (p.Asn933Lys). This variant is not present in population databases (gnomAD no frequency). This variant has not been reported in the literature in individuals affected with APC-related conditions. Advanced modeling of protein sequence and biophysical properties (such as structural, functional, and spatial information, amino acid conservation, physicochemical variation, residue mobility, and thermodynamic stability) performed at Invitae indicates that this missense variant is not expected to disrupt APC protein function. In summary, the available evidence is currently insufficient to determine the role of this variant in disease. Therefore, it has been classified as a Variant of Uncertain Significance.

NM_000038.6(APC):c.2799C>A (p.Asn933Lys)

Gene: APC (APC regulator of Wnt signaling pathway; plus strand). Cytogenetic location: 5q22.2.
Variant type: single nucleotide variant.
Coding change: c.2799C>A on transcript NM_000038.6 (MANE Select); coding-DNA position 2799, C replaced by A.
Protein change: p.Asn933Lys; replaces asparagine 933 with lysine.
Molecular consequence: missense variant. On other transcripts: non-coding transcript variant (2).
Genome position (GRCh38, 1-based): chr5:112,838,393, C>A. VCF-style: chr5-112838393-C-A. GRCh37 (hg19) VCF-style: chr5-112174090-C-A.
Other names: c.2853C>A, p.Asn951Lys (NM_001407449.1, NM_001354896.2, NM_001407447.1 and 1 more transcripts); c.2799C>A, p.Asn933Lys (NM_001407450.1, NM_001127510.3, NM_001354895.2); c.2778C>A, p.Asn926Lys (NM_001407451.1); c.2769C>A, p.Asn923Lys (NM_001407452.1); c.2622C>A, p.Asn874Lys (NM_001407453.1, NM_001354901.2); c.2550C>A, p.Asn850Lys (NM_001407454.1, NM_001407455.1, NM_001407456.1 and 1 more transcripts); c.2496C>A, p.Asn832Lys (NM_001407458.1, NM_001407459.1, NM_001407460.1 and 1 more transcripts); c.2412C>A, p.Asn804Lys (NM_001407467.1, NM_001407469.1); and 11 more; short protein forms N804K, N892K, N951K, N650K, N832K, N549K, N773K, N842K.
Identifiers: ClinVar variation 2766361 (VCV002766361.3), dbSNP rs1580627216, ClinGen allele CA16027434.